The following is an entry in ClinVar:

ClinVar aggregate classification (germline): Pathogenic (1 of 4 stars; one submission).

Submission:

CeGaT Center for Human Genetics Tuebingen
Classification: Pathogenic. Last evaluated: 2026-07-01. Review status: criteria provided, single submitter. Criteria: CeGaT Center For Human Genetics Tuebingen Variant Classification Criteria Version 2. Collection method: clinical testing. Allele origin: germline. Affected: yes. Observed: 1 variant allele.
Comment: MED12L: PVS1, PM2

NM_001393769.1(MED12L):c.1011dup (p.Gly338fs)

Gene: MED12L (mediator complex subunit 12L; plus strand). Cytogenetic location: 3q25.1.
Variant type: Duplication.
Coding change: c.1011dup on transcript NM_001393769.1 (MANE Select); coding-DNA position 1011, one base duplicated (C; older notation c.1011dupC).
Protein change: p.Gly338fs; shifts the reading frame from glycine 338.
Molecular consequence: frameshift variant.
Genome position (GRCh38, 1-based): chr3:151,160,005, C duplicated; the last of 7 consecutive C bases (chr3:151,159,999-151,160,005); duplicating any one gives the same sequence. VCF-style (leftmost placement, unchanged base first): chr3-151159998-G-GC. GRCh37 (hg19) VCF-style: chr3-150877785-G-GC.
Other names: c.1011dup, p.Gly338fs (NM_053002.6); short protein forms G338fs.
Identifiers: ClinVar variation 5038896 (VCV005038896.1).
Genomic context (GRCh38, chr3:151,159,998, plus strand): 5'-CCCACTCACCCCACATGATGATAGGACCAAACAACTCGAGTATCGGGGCCCCCAGCCCTG[G>GC]CCCCCCCGGCCCTGGCATGAGCCCCGTGCAGCTGGCCTTCTCAGATTTTCTTTCCTGTGC-3'